The following is an entry in ClinVar:

NM_001854.4(COL11A1):c.3168+4_3168+7del

Gene: COL11A1 (collagen type XI alpha 1 chain; minus strand). Cytogenetic location: 1p21.1.
Variant type: Deletion.
Coding change: c.3168+4_3168+7del on transcript NM_001854.4 (MANE Select); bases 4 to 7 of the intron after coding-DNA position 3168, 4 bases deleted (AGTA; older notation c.3168+4_3168+7delAGTA).
Molecular consequence: splice donor variant.
Genome position (GRCh38, 1-based): chr1:102,961,859-102,961,862, TACT deleted on the plus strand (AGTA on the coding strand, the reverse complement: COL11A1 is on the minus strand); deleting any 4 consecutive bases within chr1:102,961,859-102,961,865 gives the same sequence; the c. name uses the placement nearest the transcript's 3' end. VCF-style (leftmost placement, unchanged base first): chr1-102961858-ATACT-A. GRCh37 (hg19) VCF-style: chr1-103427414-ATACT-A.
Other names: c.3051+4_3051+7del (NM_001190709.2); c.3204+4_3204+7del (NM_080629.3); c.2820+4_2820+7del (NM_080630.4).
Identifiers: ClinVar variation 4683178 (VCV004683178.1).

ClinVar aggregate classification (germline): Likely pathogenic (1 of 4 stars; one submission).

Conditions:
Stickler syndrome. Identifiers: Orphanet 828, MedGen C0265253, MONDO:0019354.

Submission:

Cambridge Genomics Laboratory, East Genomic Laboratory Hub, NHS Genomic Medicine Service
Classification: Likely pathogenic for Stickler syndrome. Last evaluated: 2025-07-16. Review status: criteria provided, single submitter. Criteria: ACGS Best Practice Guidelines for Variant Classification in Rare Disease 2020. Collection method: clinical testing. Allele origin: germline. Affected: yes.
Comment: PS1_Moderate,PM2,PP3,PP4